The following is an entry in ClinVar:

ClinVar aggregate classification (germline): Uncertain significance (1 of 4 stars; one submission).

Conditions:
Catecholaminergic polymorphic ventricular tachycardia (CVPT). Also called: Catecholamine-induced polymorphic ventricular tachycardia. Identifiers: Orphanet 3286, MedGen C5574922, MONDO:0017990.

Submission:

All of Us Research Program, National Institutes of Health
Classification: Uncertain significance for Catecholaminergic polymorphic ventricular tachycardia. Last evaluated: 2023-04-10. Review status: criteria provided, single submitter. Criteria: ACMG Guidelines, 2015. Collection method: clinical testing. Allele origin: germline. Inheritance: Autosomal dominant inheritance. Observed: 1 variant allele, 1 heterozygote.
Comment: This missense variant replaces glutamic acid with glutamine at codon 1492 of the RYR2 protein. Computational prediction suggests that this variant may not impact protein structure and function (internally defined REVEL score threshold <= 0.5, PMID: 27666373). To our knowledge, functional studies have not been reported for this variant. This variant has not been reported in individuals affected with RYR2-related disorders in the literature. This variant has not been identified in the general population by the Genome Aggregation Database (gnomAD). The available evidence is insufficient to determine the role of this variant in disease conclusively. Therefore, this variant is classified as a Variant of Uncertain Significance.

This study involves interpretation of variants in research participants for the purpose of population health screening. Participant phenotype was not available at the time of variant classification. Additional details can be found in publication PMID: 35346344, PMCID: PMC8962531

NM_001035.3(RYR2):c.4474G>C (p.Glu1492Gln)

Gene: RYR2 (ryanodine receptor 2; plus strand). Cytogenetic location: 1q43.
Variant type: single nucleotide variant.
Coding change: c.4474G>C on transcript NM_001035.3 (MANE Select); coding-DNA position 4474, G replaced by C.
Protein change: p.Glu1492Gln; replaces glutamic acid 1492 with glutamine.
Molecular consequence: missense variant.
Genome position (GRCh38, 1-based): chr1:237,595,535, G>C. VCF-style: chr1-237595535-G-C. GRCh37 (hg19) VCF-style: chr1-237758835-G-C.
Other names: short protein forms E1492Q.
Identifiers: ClinVar variation 3070284 (VCV003070284.1), dbSNP rs2148474614, ClinGen allele CA345400231.
Genomic context (GRCh38, chr1:237,595,535, plus strand): 5'-AAAAATGTTCTTTTGAAATTCAGCATCAAACGCAGCAACTGCTATATGGTATGTGCGGGT[G>C]AGAGCATGAGCCCCGGGCAAGGACGCAACAATAATGGACTGGAGATTGGCTGTGTGGTGG-3'
Protein context (NP_001026.2, residues 1482-1502): RSNCYMVCAG[Glu1492Gln]SMSPGQGRNN